The following is an entry in ClinVar:

NM_001267550.2(TTN):c.59436del (p.Val19813fs)

Genes: TTN (titin; minus strand), TTN-AS1 (TTN antisense RNA 1; plus strand), LOC126806424 (CDK7 strongly-dependent group 2 enhancer GRCh37_chr2:179456337-179457536; plus strand). Cytogenetic location: 2q31.2.
Variant type: Deletion.
Coding change: c.59436del on transcript NM_001267550.2 (MANE Select); coding-DNA position 59436, one base deleted (A; older notation c.59436delA).
Protein change: p.Val19813fs; shifts the reading frame from valine 19813.
Molecular consequence: frameshift variant.
Genome position (GRCh38, 1-based): chr2:178,592,569, T deleted on the plus strand (A on the coding strand, the reverse complement: TTN is on the minus strand). VCF-style (leftmost placement, unchanged base first): chr2-178592568-CT-C. GRCh37 (hg19) VCF-style: chr2-179457295-CT-C.
Other names: c.54513del, p.Val18172fs (NM_001256850.1); c.32241del, p.Val10748fs (NM_003319.4); c.51732del, p.Val17245fs (NM_133378.4); c.32616del, p.Val10873fs (NM_133432.3); c.32817del, p.Val10940fs (NM_133437.4); c.32241delA (NM_003319.4); short protein forms V10873fs, V10940fs, V18172fs, V10748fs, V17245fs, V19813fs.
Identifiers: ClinVar variation 1729108 (VCV001729108.2), dbSNP rs2469536890, ClinGen allele CA2580064884.

ClinVar aggregate classification (germline): Pathogenic (1 of 4 stars; one submission).

Conditions:
Cardiovascular phenotype. Identifiers: MedGen CN230736.

Submission:

Ambry Genetics
Classification: Pathogenic for Cardiovascular phenotype. Last evaluated: 2021-02-16. Review status: criteria provided, single submitter. Criteria: Ambry Variant Classification Scheme 2023. Collection method: clinical testing. Allele origin: germline.
Comment: The c.32241delA pathogenic mutation, located in coding exon 128 of the TTN gene, results from a deletion of one nucleotide at nucleotide position 32241, causing a translational frameshift with a predicted alternate stop codon (p.V10748Cfs*6). This exon is located in the A-band region of the N2-B isoform of the titin protein and is constitutively expressed in TTN transcripts (percent spliced in or PSI 100%). This alteration has been observed in at least one individual with a personal and/or family history that is consistent with TTN-related disease (Ambry internal data). This alteration is expected to result in loss of function by premature protein truncation or nonsense-mediated mRNA decay. While truncating variants in TTN are present in 1-3% of the general population, truncating variants in the A-band are the most common cause of dilated cardiomyopathy (DCM) (Herman DS et al. N. Engl. J. Med., 2012 Feb;366:619-28; Roberts AM et al. Sci Transl Med, 2015 Jan;7:270ra6). TTN truncating variants encoded in constitutive exons (PSI >90%) have been found to be significantly associated with DCM regardless of their position in titin (Schafer S et al. Nat. Genet., 2017 01;49:46-53). As such, this alteration is interpreted as a disease-causing mutation.